The following is an entry in ClinVar:

ClinVar aggregate classification (germline): Likely pathogenic (1 of 4 stars; one submission).

Conditions:
Primary ciliary dyskinesia. Also called: Ciliary dyskinesia. Identifiers: Orphanet 244, MedGen C0008780, MONDO:0016575, HP:0012265.

Submissions (2):

Labcorp Genetics (formerly Invitae), Labcorp
Classification: Likely pathogenic for Primary ciliary dyskinesia. Last evaluated: 2023-03-23. Review status: criteria provided, single submitter. Criteria: Invitae Variant Classification Sherloc (09022015). Collection method: clinical testing. Allele origin: germline.
Comment: In summary, the currently available evidence indicates that the variant is pathogenic, but additional data are needed to prove that conclusively. Therefore, this variant has been classified as Likely Pathogenic. This sequence change affects a donor splice site in intron 11 of the RPGR gene. It is expected to disrupt RNA splicing. Variants that disrupt the donor or acceptor splice site typically lead to a loss of protein function (PMID: 16199547), and loss-of-function variants in RPGR are known to be pathogenic (PMID: 16055928, 16969763). This variant is not present in population databases (gnomAD no frequency). This variant has not been reported in the literature in individuals affected with RPGR-related conditions. ClinVar contains an entry for this variant (Variation ID: 1971442). Algorithms developed to predict the effect of sequence changes on RNA splicing suggest that this variant may disrupt the consensus splice site.

Dr. Peter K. Rogan Lab, Western University
No classification provided (evidence only). Condition: Thyroid cancer, nonmedullary, 1. Review status: no classification provided. Collection method: in vitro. Allele origin: not applicable. Functional consequence: retained intron. Not counted in ClinVar's aggregate classification.

Literature cited by the submitters: PubMed 16199547 (cited by Labcorp Genetics (formerly Invitae), Labcorp); PubMed 16055928 (cited by Labcorp Genetics (formerly Invitae), Labcorp); PubMed 16969763 (cited by Labcorp Genetics (formerly Invitae), Labcorp).

NM_001034853.2(RPGR):c.1414+1G>A

Gene: RPGR (retinitis pigmentosa GTPase regulator; minus strand). Cytogenetic location: Xp11.4.
Variant type: single nucleotide variant.
Coding change: c.1414+1G>A on transcript NM_001034853.2 (MANE Select); the canonical splice donor site of the intron after coding-DNA position 1414, G replaced by A.
Molecular consequence: splice donor variant.
Genome position (GRCh38, 1-based): chrX:38,297,283, C>T on the plus strand (G>A on the coding strand, the complement: RPGR is on the minus strand). VCF-style: chrX-38297283-C-T. GRCh37 (hg19) VCF-style: chrX-38156536-C-T.
Other names: c.1411+1G>A (NM_001367249.1, NM_001367250.1, NM_001367245.1); c.1228+1G>A (NM_001367251.1, NM_001367246.1); c.1414+1G>A (NM_001367247.1, NM_000328.3); c.1444+1G>A (NM_001367248.1).
Identifiers: ClinVar variation 1971442 (VCV001971442.6), dbSNP rs2519822407, ClinGen allele CA412739327.